The following is an entry in ClinVar:

NM_173628.4(DNAH17):c.8883G>A (p.Pro2961=)

Gene: DNAH17 (dynein axonemal heavy chain 17; minus strand). Cytogenetic location: 17q25.3.
Variant type: single nucleotide variant.
Coding change: c.8883G>A on transcript NM_173628.4 (MANE Select); coding-DNA position 8883, G replaced by A.
Protein change: p.Pro2961=; no amino-acid change (proline 2961 retained).
Molecular consequence: synonymous variant.
Genome position (GRCh38, 1-based): chr17:78,466,712, C>T on the plus strand (G>A on the coding strand, the complement: DNAH17 is on the minus strand). VCF-style: chr17-78466712-C-T. GRCh37 (hg19) VCF-style: chr17-76462794-C-T.
Other names: c.8883G>A (NM_173628.3).
Identifiers: ClinVar variation 2648358 (VCV002648358.26), dbSNP rs61740194, ClinGen allele CA8801615.

ClinVar aggregate classification (germline): Likely benign. Review status: criteria provided, multiple submitters, no conflicts (2 of 4 stars). 3 submissions from 3 submitters: Likely benign (2). 1 of the submissions does not count toward it. Last evaluated 2024-11-06.

Conditions:
DNAH17-related disorder. Also called: DNAH17-related condition.

Allele frequency attached by ClinVar (database versions not stated): 1000 Genomes Project 30x 0.00016; 1000 Genomes Project 0.00020; TOPMed 0.00112; ExAC 0.00155; gnomAD 0.00167; ESP Exome Variant Server 0.00172; gnomAD exomes 0.00189.
gnomAD v4.1: 2,981 of 1,612,608 alleles (0.18%); highest among the groups gnomAD compares: Non-Finnish European, 0.21%; 4 homozygotes.

Submissions (3):

Blueprint Genetics
Classification: Likely benign. Last evaluated: 2024-11-06. Review status: criteria provided, single submitter. Criteria: ACMG Guidelines, 2015. Collection method: clinical testing. Allele origin: germline.

CeGaT Center for Human Genetics Tuebingen
Classification: Likely benign. Last evaluated: 2023-01-01. Review status: criteria provided, single submitter. Criteria: CeGaT Center For Human Genetics Tuebingen Variant Classification Criteria Version 2. Collection method: clinical testing. Allele origin: germline. Affected: yes. Observed: 2 variant alleles.
Comment: DNAH17: BP4, BP7

PreventionGenetics, part of Exact Sciences
Classification: Likely benign for DNAH17-related condition. Last evaluated: 2019-06-17. Review status: no assertion criteria provided. Collection method: clinical testing. Allele origin: germline. Not counted in ClinVar's aggregate classification.
Comment: This variant is classified as likely benign based on ACMG/AMP sequence variant interpretation guidelines (Richards et al. 2015 PMID: 25741868, with internal and published modifications).